The following is an entry in ClinVar:

ClinVar aggregate classification (germline): Benign/Likely benign. Review status: criteria provided, multiple submitters, no conflicts (2 of 4 stars). 3 submissions from 3 submitters: Benign (1); Likely benign (2). Last evaluated 2024-05-27.

Conditions:
Hereditary cancer-predisposing syndrome. Also called: Tumor predisposition; Hereditary neoplastic syndrome; Neoplastic Syndromes, Hereditary; Hereditary Cancer Syndrome. Identifiers: Orphanet 140162, MedGen C0027672, MeSH D009386, MONDO:0015356.
Familial adenomatous polyposis 1 (FAP1). Also called: FAMILIAL ADENOMATOUS POLYPOSIS 1, ATTENUATED; POLYPOSIS, ADENOMATOUS INTESTINAL. Identifiers: MedGen C2713442, MONDO:0021056, OMIM 175100. Disease mechanism: loss of function.

Allele frequency attached by ClinVar (database versions not stated): TOPMed 0.00001.

Submissions (3):

Labcorp Genetics (formerly Invitae), Labcorp
Classification: Likely benign for Familial adenomatous polyposis 1. Last evaluated: 2024-05-27. Review status: criteria provided, single submitter. Criteria: Invitae Variant Classification Sherloc (09022015). Collection method: clinical testing. Allele origin: germline.

Myriad Genetics, Inc.
Classification: Benign for Familial adenomatous polyposis 1. Last evaluated: 2024-03-15. Review status: criteria provided, single submitter. Criteria: Myriad Autosomal Dominant, Autosomal Recessive and X-Linked Classification Criteria (2023). Collection method: clinical testing. Allele origin: unknown.
Comment: This variant is considered benign. This variant is a silent/synonymous amino acid change and it is not expected to impact splicing.

Ambry Genetics
Classification: Likely benign for Hereditary cancer-predisposing syndrome. Last evaluated: 2023-07-26. Review status: criteria provided, single submitter. Criteria: Ambry Variant Classification Scheme 2023. Collection method: clinical testing. Allele origin: germline.

NM_000038.6(APC):c.2895T>C (p.Asn965=)

Gene: APC (APC regulator of Wnt signaling pathway; plus strand). Cytogenetic location: 5q22.2.
Variant type: single nucleotide variant.
Coding change: c.2895T>C on transcript NM_000038.6 (MANE Select); coding-DNA position 2895, T replaced by C.
Protein change: p.Asn965=; no amino-acid change (asparagine 965 retained).
Molecular consequence: synonymous variant.
Genome position (GRCh38, 1-based): chr5:112,838,489, T>C. VCF-style: chr5-112838489-T-C. GRCh37 (hg19) VCF-style: chr5-112174186-T-C.
Other names: c.2895T>C, p.Asn965= (NM_001127510.3, NM_001354895.2); c.2841T>C, p.Asn947= (NM_001127511.3); c.2949T>C, p.Asn983= (NM_001354896.2); c.2925T>C, p.Asn975= (NM_001354897.2); c.2820T>C, p.Asn940= (NM_001354898.2); c.2811T>C, p.Asn937= (NM_001354899.2); c.2772T>C, p.Asn924= (NM_001354900.2); c.2718T>C, p.Asn906= (NM_001354901.2); and 5 more.
Identifiers: ClinVar variation 750016 (VCV000750016.13), dbSNP rs1269765079, ClinGen allele CA445963058.
Genomic context (GRCh38, chr5:112,838,489, plus strand): 5'-GACATGTTCTATGCCTTATGCCAAATTAGAATACAAGAGATCTTCAAATGATAGTTTAAA[T>C]AGTGTCAGTAGTAGTGATGGTTATGGTAAAAGAGGTCAAATGAAACCCTCGATTGAATCC-3'
Protein context (NP_000029.2, residues 955-975): EYKRSSNDSL[Asn965=]SVSSSDGYGK